The following is an entry in ClinVar:

NM_017721.5(CC2D1A):c.179_180insCA (p.Glu60fs)

Gene: CC2D1A (coiled-coil and C2 domain containing 1A; plus strand). Cytogenetic location: 19p13.12.
Variant type: Insertion.
Coding change: c.179_180insCA on transcript NM_017721.5 (MANE Select); coding-DNA positions 179 to 180, CA inserted.
Protein change: p.Glu60fs; shifts the reading frame from glutamic acid 60.
Molecular consequence: frameshift variant.
Genome position: GRCh38 VCF-style: chr19-13909940-G-GAC. GRCh37 (hg19) VCF-style: chr19-14020753-G-GAC.
Other names: c.179_180insCA, p.Glu60fs (NM_001411138.1); short protein forms E60fs.
Identifiers: ClinVar variation 2820289 (VCV002820289.4), dbSNP rs1970938126, ClinGen allele CA2324119621.

ClinVar aggregate classification (germline): Pathogenic/Likely pathogenic. Review status: criteria provided, multiple submitters, no conflicts (2 of 4 stars). 2 submissions from 2 submitters: Pathogenic (1); Likely pathogenic (1). Last evaluated 2024-06-15.

Conditions:
Intellectual developmental disorder, autosomal recessive 3. Also called: Intellectual disability, autosomal recessive 3. Identifiers: Orphanet 88616, MedGen C1838023, MONDO:0012037, OMIM 608443.

Submissions (2):

Fulgent Genetics
Classification: Likely pathogenic for Intellectual developmental disorder, autosomal recessive 3. Last evaluated: 2024-06-15. Review status: criteria provided, single submitter. Criteria: ACMG Guidelines, 2015. Collection method: clinical testing. Allele origin: germline.

Labcorp Genetics (formerly Invitae), Labcorp
Classification: Pathogenic. Last evaluated: 2023-03-17. Review status: criteria provided, single submitter. Criteria: Invitae Variant Classification Sherloc (09022015). Collection method: clinical testing. Allele origin: germline.
Comment: For these reasons, this variant has been classified as Pathogenic. This sequence change creates a premature translational stop signal (p.Glu60Aspfs*23) in the CC2D1A gene. It is expected to result in an absent or disrupted protein product. Loss-of-function variants in CC2D1A are known to be pathogenic (PMID: 16033914). This variant is not present in population databases (gnomAD no frequency). This variant has not been reported in the literature in individuals affected with CC2D1A-related conditions.

Literature cited by the submitters: PubMed 16033914 (cited by Labcorp Genetics (formerly Invitae), Labcorp).